The following is an entry in ClinVar:

NM_004525.3(LRP2):c.12442G>A (p.Ala4148Thr)

Gene: LRP2 (LDL receptor related protein 2; minus strand). Cytogenetic location: 2q31.1.
Variant type: single nucleotide variant.
Coding change: c.12442G>A on transcript NM_004525.3 (MANE Select); coding-DNA position 12442, G replaced by A.
Protein change: p.Ala4148Thr; replaces alanine 4148 with threonine.
Molecular consequence: missense variant.
Genome position (GRCh38, 1-based): chr2:169,152,818, C>T on the plus strand (G>A on the coding strand, the complement: LRP2 is on the minus strand). VCF-style: chr2-169152818-C-T. GRCh37 (hg19) VCF-style: chr2-170009328-C-T.
Other names: short protein forms A4148T.
Identifiers: ClinVar variation 1367515 (VCV001367515.5), dbSNP rs758347145, ClinGen allele CA1952810.
Genomic context (GRCh38, chr2:169,152,818, plus strand): 5'-GAAAACAGAACAGGTAAGGGGGGAATGTATGGCAAATTTACCTTCCAACCCAGTCCACTG[C>T]TATTCCATCTGGCTGCATTACGTATTTCAGTTTCAGGTCAACTTCCTGCACAAGATTATT-3'
Protein context (NP_004516.2, residues 4138-4158): LKYVMQPDGI[Ala4148Thr]VDWVGRHIYW

ClinVar aggregate classification (germline): Uncertain significance (1 of 4 stars; one submission).

Submission:

Labcorp Genetics (formerly Invitae), Labcorp
Classification: Uncertain significance. Last evaluated: 2024-12-02. Review status: criteria provided, single submitter. Criteria: Invitae Variant Classification Sherloc (09022015). Collection method: clinical testing. Allele origin: germline.
Comment: This sequence change replaces alanine, which is neutral and non-polar, with threonine, which is neutral and polar, at codon 4148 of the LRP2 protein (p.Ala4148Thr). This variant is present in population databases (rs758347145, gnomAD 0.0009%). This variant has not been reported in the literature in individuals affected with LRP2-related conditions. ClinVar contains an entry for this variant (Variation ID: 1367515). Invitae Evidence Modeling of protein sequence and biophysical properties (such as structural, functional, and spatial information, amino acid conservation, physicochemical variation, residue mobility, and thermodynamic stability) indicates that this missense variant is expected to disrupt LRP2 protein function with a positive predictive value of 95%. In summary, the available evidence is currently insufficient to determine the role of this variant in disease. Therefore, it has been classified as a Variant of Uncertain Significance.